The following is an entry in ClinVar:

ClinVar aggregate classification (germline): Pathogenic (1 of 4 stars; one submission).

Conditions:
Glucose-6-phosphate transport defect (GSD1B). Also called: GSD Ib; Glycogen Storage Disease Type Ib. Identifiers: Orphanet 364, Orphanet 79259, MedGen C0268146, MONDO:0009288, OMIM 232220.

Submission:

Labcorp Genetics (formerly Invitae), Labcorp
Classification: Pathogenic for Glucose-6-phosphate transport defect. Last evaluated: 2022-06-27. Review status: criteria provided, single submitter. Criteria: Invitae Variant Classification Sherloc (09022015). Collection method: clinical testing. Allele origin: germline.
Comment: This sequence change creates a premature translational stop signal (p.Val261*) in the SLC37A4 gene. It is expected to result in an absent or disrupted protein product. Loss-of-function variants in SLC37A4 are known to be pathogenic (PMID: 9758626, 10940311). This variant has not been reported in the literature in individuals affected with SLC37A4-related conditions. For these reasons, this variant has been classified as Pathogenic. This variant is not present in population databases (gnomAD no frequency).

Literature cited by the submitters: PubMed 9758626; PubMed 10940311.

NM_001164277.2(SLC37A4):c.778del (p.Leu260_Val261insTer)

Gene: SLC37A4 (solute carrier family 37 member 4; minus strand). Cytogenetic location: 11q23.3.
Variant type: Deletion.
Coding change: c.778del on transcript NM_001164277.2 (MANE Select); coding-DNA position 778, one base deleted (C; older notation c.778delC).
Protein change: p.Leu260_Val261insTer.
Molecular consequence: frameshift variant.
Genome position (GRCh38, 1-based): chr11:119,026,943, G deleted on the plus strand (C on the coding strand, the reverse complement: SLC37A4 is on the minus strand); the first of 3 consecutive G bases (chr11:119,026,943-119,026,945); deleting any one gives the same sequence. VCF-style (leftmost placement, unchanged base first): chr11-119026942-AG-A. GRCh37 (hg19) VCF-style: chr11-118897652-AG-A.
Other names: c.778del, p.Leu260_Val261insTer (NM_001164278.2, NM_001164280.2, NM_001467.6); c.559del, p.Leu187_Val188insTer (NM_001164279.2).
Identifiers: ClinVar variation 2011304 (VCV002011304.4), dbSNP rs2497022903, ClinGen allele CA2580083679.
Genomic context (GRCh38, chr11:119,026,942, plus strand): 5'-CCCCTGCATTGGTTCCTGCTCCTTATGCCCACCCTTGTCCCCATGCTCATCTTACCTACA[AG>A]GGCTGACTGTCCTTTCTCCTGGATAAGGAAGAACTGGCCCCAGTCAGTACAGCAGGTCTT-3'